The following is an entry in ClinVar:

ClinVar aggregate classification (germline): Uncertain significance (1 of 4 stars; one submission).

gnomAD v4.1: 11 of 1,613,932 alleles (0.00068%); highest among the groups gnomAD compares: Non-Finnish European, 0.00085%; no homozygotes.

Submission:

GeneDx
Classification: Uncertain significance. Last evaluated: 2024-12-18. Review status: criteria provided, single submitter. Criteria: GeneDx Variant Classification Process June 2021. Collection method: clinical testing. Allele origin: germline. Affected: yes.
Comment: Not observed at significant frequency in large population cohorts (gnomAD); In silico analysis indicates that this missense variant does not alter protein structure/function; Has not been previously published as pathogenic or benign to our knowledge

NM_032119.4(ADGRV1):c.15661A>G (p.Ser5221Gly)

Gene: ADGRV1 (adhesion G protein-coupled receptor V1; plus strand). Cytogenetic location: 5q14.3.
Variant type: single nucleotide variant.
Coding change: c.15661A>G on transcript NM_032119.4 (MANE Select); coding-DNA position 15661, A replaced by G.
Protein change: p.Ser5221Gly; replaces serine 5221 with glycine.
Molecular consequence: missense variant. On other transcripts: non-coding transcript variant (1).
Genome position (GRCh38, 1-based): chr5:90,810,921, A>G. VCF-style: chr5-90810921-A-G. GRCh37 (hg19) VCF-style: chr5-90106738-A-G.
Other names: short protein forms S5221G.
Identifiers: ClinVar variation 3906585 (VCV003906585.1).